The following is an entry in ClinVar:

NM_206933.4(USH2A):c.13134G>T (p.Pro4378=)

Gene: USH2A (usherin; minus strand). Cytogenetic location: 1q41.
Variant type: single nucleotide variant.
Coding change: c.13134G>T on transcript NM_206933.4 (MANE Select); coding-DNA position 13134, G replaced by T.
Protein change: p.Pro4378=; no amino-acid change (proline 4378 retained).
Molecular consequence: synonymous variant.
Genome position (GRCh38, 1-based): chr1:215,674,777, C>A on the plus strand (G>T on the coding strand, the complement: USH2A is on the minus strand). VCF-style: chr1-215674777-C-A. GRCh37 (hg19) VCF-style: chr1-215848119-C-A.
Identifiers: ClinVar variation 227142 (VCV000227142.17), dbSNP rs148975669, ClinGen allele CA1393343.

ClinVar aggregate classification (germline): Benign/Likely benign. Review status: criteria provided, multiple submitters, no conflicts (2 of 4 stars). 6 submissions from 5 submitters: Benign (3); Likely benign (3). Last evaluated 2026-02-01.

Conditions:
Retinitis pigmentosa 39 (RP39). Identifiers: Orphanet 791, MedGen C3151138, MONDO:0013436, OMIM 613809.
Usher syndrome type 2A. Also called: RETINAL DISEASE IN USHER SYNDROME TYPE IIA, MODIFIER OF; USHER SYNDROME, TYPE IIA. Identifiers: Orphanet 231178, Orphanet 886, MedGen C1848634, MONDO:0010169, OMIM 276901.

Allele frequency attached by ClinVar (database versions not stated): gnomAD 0.00013; ESP Exome Variant Server 0.00015; TOPMed 0.00016; 1000 Genomes Project 30x 0.00141; 1000 Genomes Project 0.00180.
gnomAD v4.1: 271 of 1,614,054 alleles (0.017%); highest among the groups gnomAD compares: South Asian, 0.16%; no homozygotes.

Submissions (6):

Labcorp Genetics (formerly Invitae), Labcorp
Classification: Likely benign. Last evaluated: 2026-02-01. Review status: criteria provided, single submitter. Criteria: Invitae Variant Classification Sherloc (09022015). Collection method: clinical testing. Allele origin: germline.

Blueprint Genetics
Classification: Likely benign. Last evaluated: 2024-09-02. Review status: criteria provided, single submitter. Criteria: ACMG Guidelines, 2015. Collection method: clinical testing. Allele origin: germline.

Genome-Nilou Lab
Classification: Benign for Retinitis pigmentosa 39. Last evaluated: 2023-11-04. Review status: criteria provided, single submitter. Criteria: ACMG Guidelines, 2015. Collection method: clinical testing. Allele origin: germline. Affected: no.

Genome-Nilou Lab
Classification: Benign for Usher syndrome type 2A. Last evaluated: 2023-11-04. Review status: criteria provided, single submitter. Criteria: ACMG Guidelines, 2015. Collection method: clinical testing. Allele origin: germline. Affected: no.

GeneDx
Classification: Likely benign. Last evaluated: 2018-02-08. Review status: criteria provided, single submitter. Criteria: GeneDx Variant Classification (06012015). Collection method: clinical testing. Allele origin: germline. Affected: yes.
Comment: This variant is considered likely benign or benign based on one or more of the following criteria: it is a conservative change, it occurs at a poorly conserved position in the protein, it is predicted to be benign by multiple in silico algorithms, and/or has population frequency not consistent with disease.

Laboratory for Molecular Medicine, Mass General Brigham Personalized Medicine
Classification: Benign. Last evaluated: 2015-07-01. Review status: criteria provided, single submitter. Criteria: LMM Criteria. Collection method: clinical testing. Allele origin: germline. Observed: 1 variant allele.
Comment: Pro4378Pro in Exon 63 of USH2A: This variant is not expected to have clinical si gnificance because it does not alter an amino acid residue, is not located withi n the splice consensus sequence, and has been identified in 0.2% (34/16508) of S outh Asian chromosomes by the Exome Aggregation Consortium (ExAC; dbSNP rs148975669).